The following is an entry in ClinVar:

NM_020320.5(RARS2):c.1410C>A (p.Leu470=)

Gene: RARS2 (arginyl-tRNA synthetase 2, mitochondrial; minus strand). Cytogenetic location: 6q15.
Variant type: single nucleotide variant.
Coding change: c.1410C>A on transcript NM_020320.5 (MANE Select); coding-DNA position 1410, C replaced by A.
Protein change: p.Leu470=; no amino-acid change (leucine 470 retained).
Molecular consequence: synonymous variant. On other transcripts: non-coding transcript variant (23).
Genome position (GRCh38, 1-based): chr6:87,518,635, G>T on the plus strand (C>A on the coding strand, the complement: RARS2 is on the minus strand). VCF-style: chr6-87518635-G-T. GRCh37 (hg19) VCF-style: chr6-88228353-G-T.
Other names: p.L470L:CTC>CTA; p.Leu470=; c.885C>A, p.Leu295= (NM_001318785.2, NM_001350506.2, NM_001350507.2 and 4 more transcripts); c.1410C>A, p.Leu470= (NM_001350505.2); c.1410C>A (NM_020320.4).
Identifiers: ClinVar variation 138898 (VCV000138898.59), dbSNP rs139564081, ClinGen allele CA293074.
Genomic context (GRCh38, chr6:87,518,635, plus strand): 5'-ACCTAGCCTAAGTAAGCACAGTGCAGCACAAGGTTTCCCTGCAGCCTCTTCTCACCTGTG[G>T]AGGCGGGCGTGTGTGTACTGTAGGAAGACTCCTGTGTCCCCGCGACTCTGGAAAACACGA-3'
Protein context (NP_064716.2, residues 460-480): GVFLQYTHAR[Leu470=]HSLEETFGCG

ClinVar aggregate classification (germline): Benign/Likely benign. Review status: criteria provided, multiple submitters, no conflicts (2 of 4 stars). 8 submissions from 8 submitters: Benign (2); Likely benign (5). 1 of the submissions does not count toward it. Last evaluated 2026-09-01.

Conditions:
RARS2-related disorder. Also called: RARS2-related condition.
Pontocerebellar hypoplasia type 6 (PCH6). Identifiers: Orphanet 166073, MedGen C1969084, MONDO:0012683, OMIM 611523.

Allele frequency attached by ClinVar (database versions not stated): 1000 Genomes Project 0.00120; 1000 Genomes Project 30x 0.00125; ExAC 0.00160; gnomAD exomes 0.00187 and 0.00356; gnomAD 0.00216 and 0.00223; TOPMed 0.00222; ESP Exome Variant Server 0.00308.
gnomAD v4.1: 5,506 of 1,611,638 alleles (0.34%); highest among the groups gnomAD compares: Non-Finnish European, 0.44%; 16 homozygotes.

Submissions (8):

CeGaT Center for Human Genetics Tuebingen
Classification: Likely benign. Last evaluated: 2026-09-01. Review status: criteria provided, single submitter. Criteria: CeGaT Center For Human Genetics Tuebingen Variant Classification Criteria Version 2. Collection method: clinical testing. Allele origin: germline. Affected: yes. Observed: 14 variant alleles.
Comment: RARS2: BP4, BP7, BS2

Labcorp Genetics (formerly Invitae), Labcorp
Classification: Benign. Last evaluated: 2026-02-04. Review status: criteria provided, single submitter. Criteria: Invitae Variant Classification Sherloc (09022015). Collection method: clinical testing. Allele origin: germline.

Mayo Clinic Laboratories, Mayo Clinic
Classification: Likely benign. Last evaluated: 2025-02-28. Review status: criteria provided, single submitter. Criteria: ACMG Guidelines, 2015. Collection method: clinical testing. Allele origin: germline. Observed: 8 variant alleles.
Comment: BS1, BS2, BP4

Blueprint Genetics
Classification: Likely benign. Last evaluated: 2024-11-21. Review status: criteria provided, single submitter. Criteria: ACMG Guidelines, 2015. Collection method: clinical testing. Allele origin: germline.

Illumina Laboratory Services, Illumina
Classification: Likely benign for Pontocerebellar hypoplasia type 6. Last evaluated: 2018-01-13. Review status: criteria provided, single submitter. Criteria: ICSL Variant Classification Criteria 13 December 2019. Collection method: clinical testing. Allele origin: germline.
Comment: This variant was observed in the ICSL laboratory as part of a predisposition screen in an ostensibly healthy population. It had not been previously curated by ICSL or reported in the Human Gene Mutation Database (HGMD: prior to June 1st, 2018), and was therefore a candidate for classification through an automated scoring system. Utilizing variant allele frequency, disease prevalence and penetrance estimates, and inheritance mode, an automated score was calculated to assess if this variant is too frequent to cause the disease. Based on the score and internal cut-off values, a variant classified as likely benign is not then subjected to further curation. The score for this variant resulted in a classification of likely benign for this disease.

Eurofins Ntd Llc (ga)
Classification: Likely benign. Last evaluated: 2017-10-17. Review status: criteria provided, single submitter. Criteria: EGL Classification Definitions 2015. Collection method: clinical testing. Allele origin: germline. Observed: 1 variant allele, 1 heterozygote.

GeneDx
Classification: Benign. Last evaluated: 2013-07-22. Review status: criteria provided, single submitter. Criteria: GeneDx Variant Classification (06012015). Collection method: clinical testing. Allele origin: germline. Affected: yes.
Comment: This variant is considered likely benign or benign based on one or more of the following criteria: it is a conservative change, it occurs at a poorly conserved position in the protein, it is predicted to be benign by multiple in silico algorithms, and/or has population frequency not consistent with disease.

PreventionGenetics, part of Exact Sciences
Classification: Likely benign for RARS2-related condition. Last evaluated: 2019-06-17. Review status: no assertion criteria provided. Collection method: clinical testing. Allele origin: germline. Not counted in ClinVar's aggregate classification.
Comment: This variant is classified as likely benign based on ACMG/AMP sequence variant interpretation guidelines (Richards et al. 2015 PMID: 25741868, with internal and published modifications).